The following is an entry in ClinVar:

ClinVar aggregate classification (germline): Uncertain significance. Review status: criteria provided, multiple submitters, no conflicts (2 of 4 stars). 2 submissions from 2 submitters: Uncertain significance (2). Last evaluated 2024-09-01.

Conditions:
Developmental and epileptic encephalopathy, 1 (DEE1). Also called: Epileptic encephalopathy, early infantile, 1; X-linked infantile spasms; West's syndrome; Tonic spasms with clustering, arrest of psychomotor development and hypsarrhythmia on EEG; X-Linked Infantile Spasm Syndrome; OHTAHARA SYNDROME, X-LINKED. Identifiers: MedGen C3463992, MONDO:0010632, OMIM 308350. Disease mechanism: loss of function.

Allele frequency attached by ClinVar (database versions not stated): gnomAD exomes below 0.00001; TOPMed below 0.00001.
gnomAD v4.1: 1 of 1,362,724 alleles (0.000073%); highest among the groups gnomAD compares: African/African-American, 0.0015%; no homozygotes.

Submissions (2):

CeGaT Center for Human Genetics Tuebingen
Classification: Uncertain significance. Last evaluated: 2024-09-01. Review status: criteria provided, single submitter. Criteria: CeGaT Center For Human Genetics Tuebingen Variant Classification Criteria Version 2. Collection method: clinical testing. Allele origin: germline. Affected: yes. Observed: 2 variant alleles.
Comment: CACNA1A: PM2, PP3

Genomic Research Center, Shahid Beheshti University of Medical Sciences
Classification: Uncertain significance for Epileptic encephalopathy, early infantile, 1. Last evaluated: 2020-05-03. Review status: criteria provided, single submitter. Criteria: ACMG Guidelines, 2015. Collection method: clinical testing. Allele origin: unknown. Affected: yes.

NM_001127222.2(CACNA1A):c.7124C>A (p.Ala2375Asp)

Gene: CACNA1A (calcium voltage-gated channel subunit alpha1 A; minus strand). Cytogenetic location: 19p13.13.
Variant type: single nucleotide variant.
Coding change: c.7124C>A on transcript NM_001127222.2 (MANE Select); coding-DNA position 7124, C replaced by A.
Protein change: p.Ala2375Asp; replaces alanine 2375 with aspartic acid.
Molecular consequence: missense variant. On other transcripts: 3 prime UTR variant (3).
Genome position (GRCh38, 1-based): chr19:13,207,710, G>T on the plus strand (C>A on the coding strand, the complement: CACNA1A is on the minus strand). VCF-style: chr19-13207710-G-T. GRCh37 (hg19) VCF-style: chr19-13318524-G-T.
Other names: c.*336C>A (NM_000068.4, NM_001127221.2, NM_001174080.2); c.7142C>A, p.Ala2381Asp (NM_023035.3); short protein forms A2375D, A2381D.
Identifiers: ClinVar variation 871685 (VCV000871685.44), dbSNP rs2054617959, ClinGen allele CA404328129.